The following is an entry in ClinVar:

NM_206965.2(FTCD):c.593G>A (p.Arg198His)

Gene: FTCD (formimidoyltransferase cyclodeaminase; minus strand). Cytogenetic location: 21q22.3.
Variant type: single nucleotide variant.
Coding change: c.593G>A on transcript NM_206965.2 (MANE Select); coding-DNA position 593, G replaced by A.
Protein change: p.Arg198His; replaces arginine 198 with histidine.
Molecular consequence: missense variant.
Genome position (GRCh38, 1-based): chr21:46,151,601, C>T on the plus strand (G>A on the coding strand, the complement: FTCD is on the minus strand). VCF-style: chr21-46151601-C-T. GRCh37 (hg19) VCF-style: chr21-47571515-C-T.
Other names: c.593G>A, p.Arg198His (NM_001320412.2, NM_006657.3); short protein forms R198H.
Identifiers: ClinVar variation 1516881 (VCV001516881.5), dbSNP rs142358848, ClinGen allele CA10073820.
Genomic context (GRCh38, chr21:46,151,601, plus strand): 5'-TCAGTGAACGGGGTCACCTGGTCCTTCCCGCGGCCCTGCTCCCGCAGGTTGAGCGCGATG[C>T]GGTGGGCTTGCTCCTTTGTGCCGAGCAGGTTGATGTTAAAAGCAATGAGGAACTTCCTCG-3'
Protein context (NP_996848.1, residues 188-208): NLLGTKEQAH[Arg198His]IALNLREQGR

ClinVar aggregate classification (germline): Uncertain significance. Review status: criteria provided, multiple submitters, no conflicts (2 of 4 stars). 3 submissions from 3 submitters: Uncertain significance (3). Last evaluated 2023-08-06.

Conditions:
Glutamate formiminotransferase deficiency. Also called: Formiminoglutamic aciduria; Arakawa syndrome 1. Identifiers: Orphanet 51208, MedGen C0268609, MONDO:0009240, OMIM 229100.

Allele frequency attached by ClinVar (database versions not stated): ESP Exome Variant Server 0.00008; gnomAD exomes 0.00008 and 0.00012; ExAC 0.00013; 1000 Genomes Project 30x 0.00031; 1000 Genomes Project 0.00040.
gnomAD v4.1: 129 of 1,613,006 alleles (0.008%); highest among the groups gnomAD compares: East Asian, 0.031%; no homozygotes.

Submissions (3):

Labcorp Genetics (formerly Invitae), Labcorp
Classification: Uncertain significance for Glutamate formiminotransferase deficiency. Last evaluated: 2023-08-06. Review status: criteria provided, single submitter. Criteria: Invitae Variant Classification Sherloc (09022015). Collection method: clinical testing. Allele origin: germline.
Comment: In summary, the available evidence is currently insufficient to determine the role of this variant in disease. Therefore, it has been classified as a Variant of Uncertain Significance. Advanced modeling of protein sequence and biophysical properties (such as structural, functional, and spatial information, amino acid conservation, physicochemical variation, residue mobility, and thermodynamic stability) performed at Invitae indicates that this missense variant is not expected to disrupt FTCD protein function. ClinVar contains an entry for this variant (Variation ID: 1516881). This variant has not been reported in the literature in individuals affected with FTCD-related conditions. This variant is present in population databases (rs142358848, gnomAD 0.07%). This sequence change replaces arginine, which is basic and polar, with histidine, which is basic and polar, at codon 198 of the FTCD protein (p.Arg198His).

Institute for Clinical Genetics, University Hospital TU Dresden, University Hospital TU Dresden
Classification: Uncertain significance. Last evaluated: 2022-08-22. Review status: criteria provided, single submitter. Criteria: ACMG Guidelines, 2015. Collection method: clinical testing. Allele origin: paternal.
Comment: PP3, PM1, PM3

Fulgent Genetics
Classification: Uncertain significance for Glutamate formiminotransferase deficiency. Last evaluated: 2021-07-15. Review status: criteria provided, single submitter. Criteria: ACMG Guidelines, 2015. Collection method: clinical testing. Allele origin: unknown.